The following is an entry in ClinVar:

NM_000754.4(COMT):c.186C>T (p.His62=)

Gene: COMT (catechol-O-methyltransferase; plus strand). Cytogenetic location: 22q11.21.
Variant type: single nucleotide variant.
Coding change: c.186C>T on transcript NM_000754.4 (MANE Select); coding-DNA position 186, C replaced by T.
Protein change: p.His62=; no amino-acid change (histidine 62 retained).
Molecular consequence: synonymous variant.
Genome position (GRCh38, 1-based): chr22:19,962,712, C>T. VCF-style: chr22-19962712-C-T. GRCh37 (hg19) VCF-style: chr22-19950235-C-T.
Other names: c.186C>T, p.His62= (NM_001135161.2, NM_001135162.2, NM_001362828.2); c.36C>T, p.His12= (NM_007310.3).
Identifiers: ClinVar variation 256785 (VCV000256785.13), dbSNP rs4633, ClinGen allele CA10104478.

ClinVar aggregate classification (germline): Benign. Review status: criteria provided, multiple submitters, no conflicts (2 of 4 stars). 8 submissions from 8 submitters: Benign (3). 5 of the submissions do not count toward it. Last evaluated 2021-05-04.

Conditions:
Tramadol response. Also called: Ultram response. Identifiers: MedGen CN078023.

Allele frequency attached by ClinVar (database versions not stated): gnomAD 0.44464 and 0.44697; ESP Exome Variant Server 0.46009; 1000 Genomes Project 30x 0.37196; gnomAD exomes 0.46345 and 0.49860; ExAC 0.46797; 1000 Genomes Project 0.37161; TOPMed 0.42741.
gnomAD v4.1: 794,478 of 1,613,292 alleles (49%); highest among the groups gnomAD compares: Non-Finnish European, 52%; 198,896 homozygotes.

Submissions (8):

GeneDx
Classification: Benign. Last evaluated: 2021-05-04. Review status: criteria provided, single submitter. Criteria: GeneDx Variant Classification Process June 2021. Collection method: clinical testing. Allele origin: germline. Affected: yes.
Comment: This variant is associated with the following publications: (PMID: 21486747)

Breakthrough Genomics
Classification: Benign. Review status: criteria provided, single submitter. Criteria: ACMG Guidelines, 2015. Collection method: not provided. Allele origin: germline. Inheritance: Autosomal dominant inheritance. Affected: yes.

PreventionGenetics, part of Exact Sciences
Classification: Benign. Review status: criteria provided, single submitter. Criteria: ACMG Guidelines, 2015. Collection method: clinical testing. Allele origin: germline.

Bruce Budowle Laboratory, University of North Texas Health Science Center
Classification: drug response for Tramadol response. Last evaluated: 2018-04-28. Review status: no assertion criteria provided. Collection method: research. Allele origin: somatic. Affected: yes. Observed: 202 variant alleles. Not counted in ClinVar's aggregate classification.

Clinical Genetics DNA and cytogenetics Diagnostics Lab, Erasmus MC, Erasmus Medical Center
Classification: Benign. Review status: no assertion criteria provided. Collection method: clinical testing. Allele origin: germline. Affected: yes. Study: VKGL Data-share Consensus. Not counted in ClinVar's aggregate classification.

Diagnostic Laboratory, Department of Genetics, University Medical Center Groningen
Classification: Benign. Review status: no assertion criteria provided. Collection method: clinical testing. Allele origin: germline. Affected: yes. Study: VKGL Data-share Consensus. Not counted in ClinVar's aggregate classification.

Genome Diagnostics Laboratory, Amsterdam University Medical Center
Classification: Benign. Review status: no assertion criteria provided. Collection method: clinical testing. Allele origin: germline. Affected: yes. Study: VKGL Data-share Consensus. Not counted in ClinVar's aggregate classification.

Joint Genome Diagnostic Labs from Nijmegen and Maastricht, Radboudumc and MUMC+
Classification: Benign. Review status: no assertion criteria provided. Collection method: clinical testing. Allele origin: germline. Affected: yes. Study: VKGL Data-share Consensus. Not counted in ClinVar's aggregate classification.